The following is an entry in ClinVar:

NM_025179.4(PLXNA2):c.58C>T (p.Leu20=)

Gene: PLXNA2 (plexin A2; minus strand). Cytogenetic location: 1q32.2.
Variant type: single nucleotide variant.
Coding change: c.58C>T on transcript NM_025179.4 (MANE Select); coding-DNA position 58, C replaced by T.
Protein change: p.Leu20=; no amino-acid change (leucine 20 retained).
Molecular consequence: synonymous variant.
Genome position (GRCh38, 1-based): chr1:208,217,865, G>A on the plus strand (C>T on the coding strand, the complement: PLXNA2 is on the minus strand). VCF-style: chr1-208217865-G-A. GRCh37 (hg19) VCF-style: chr1-208391210-G-A.
Other names: c.58C>T (NM_025179.3).
Identifiers: ClinVar variation 1912590 (VCV001912590.6), dbSNP rs771867140, ClinGen allele CA1374144.

ClinVar aggregate classification (germline): Likely benign. Review status: criteria provided, single submitter (1 of 4 stars). 2 submissions from 2 submitters: Likely benign (1). 1 of the submissions does not count toward it. Last evaluated 2022-08-16.

Conditions:
PLXNA2-related disorder. Also called: PLXNA2-related condition.

Allele frequency attached by ClinVar (database versions not stated): gnomAD exomes 0.00001; ExAC 0.00002; gnomAD 0.00003; TOPMed 0.00003.
gnomAD v4.1: 20 of 1,613,396 alleles (0.0012%); highest among the groups gnomAD compares: Admixed American, 0.005%; no homozygotes.

Submissions (2):

Labcorp Genetics (formerly Invitae), Labcorp
Classification: Likely benign. Last evaluated: 2022-08-16. Review status: criteria provided, single submitter. Criteria: Invitae Variant Classification Sherloc (09022015). Collection method: clinical testing. Allele origin: germline.

PreventionGenetics, part of Exact Sciences
Classification: Likely benign for PLXNA2-related condition. Last evaluated: 2022-05-26. Review status: no assertion criteria provided. Collection method: clinical testing. Allele origin: germline. Not counted in ClinVar's aggregate classification.
Comment: This variant is classified as likely benign based on ACMG/AMP sequence variant interpretation guidelines (Richards et al. 2015 PMID: 25741868, with internal and published modifications).